The following is an entry in ClinVar:

ClinVar aggregate classification (germline): Pathogenic (1 of 4 stars; one submission).

Conditions:
Gorlin syndrome. Also called: Nevoid Basal Cell Carcinoma Syndrome; Basal cell nevus syndrome. Identifiers: Orphanet 377, MedGen C0004779, MONDO:0007187.

Submission:

Labcorp Genetics (formerly Invitae), Labcorp
Classification: Pathogenic for Gorlin syndrome. Last evaluated: 2021-03-02. Review status: criteria provided, single submitter. Criteria: Invitae Variant Classification Sherloc (09022015). Collection method: clinical testing. Allele origin: germline.
Comment: This variant has not been reported in the literature in individuals with PTCH1-related conditions. This variant is not present in population databases (ExAC no frequency). This sequence change creates a premature translational stop signal (p.Glu1019*) in the PTCH1 gene. It is expected to result in an absent or disrupted protein product. Loss-of-function variants in PTCH1 are known to be pathogenic (PMID: 16301862, 16419085). Algorithms developed to predict the effect of sequence changes on RNA splicing suggest that this variant may create or strengthen a splice site, but this prediction has not been confirmed by published transcriptional studies. For these reasons, this variant has been classified as Pathogenic.

Literature cited by the submitters: PubMed 16301862; PubMed 16419085.

NM_000264.5(PTCH1):c.3055G>T (p.Glu1019Ter)

Gene: PTCH1 (patched 1; minus strand). Cytogenetic location: 9q22.32.
Variant type: single nucleotide variant.
Coding change: c.3055G>T on transcript NM_000264.5 (MANE Select); coding-DNA position 3055, G replaced by T.
Protein change: p.Glu1019Ter; replaces glutamic acid 1019 with a stop codon.
Molecular consequence: nonsense. On other transcripts: non-coding transcript variant (1).
Genome position (GRCh38, 1-based): chr9:95,458,126, C>A on the plus strand (G>T on the coding strand, the complement: PTCH1 is on the minus strand). VCF-style: chr9-95458126-C-A. GRCh37 (hg19) VCF-style: chr9-98220408-C-A.
Other names: c.2857G>T, p.Glu953Ter (NM_001083602.3); c.3052G>T, p.Glu1018Ter (NM_001083603.3); c.2602G>T, p.Glu868Ter (NM_001083604.3, NM_001083605.3, NM_001083606.3 and 1 more transcripts); c.2899G>T, p.Glu967Ter (NM_001354918.2); short protein forms E1018*, E1019*, E868*, E953*, E967*.
Identifiers: ClinVar variation 1456829 (VCV001456829.6), dbSNP rs2136660921, ClinGen allele CA374112485.
Genomic context (GRCh38, chr9:95,458,126, plus strand): 5'-TGCAGGCCAACACCACGCTGATGAACAGCAGCAGCCAGTGGCGGAGGCCGATGTACTGCT[C>A]CCAGAAGAGGAAGGGGTAGCCGTTGGGGTAACTGGACAGCCCCAGGCTCGTATAGTTGCT-3'